The following is an entry in ClinVar:

ClinVar aggregate classification (germline): Uncertain significance (1 of 4 stars; one submission).

Allele frequency attached by ClinVar (database versions not stated): TOPMed below 0.00001.

Submission:

Labcorp Genetics (formerly Invitae), Labcorp
Classification: Uncertain significance. Last evaluated: 2024-08-15. Review status: criteria provided, single submitter. Criteria: Invitae Variant Classification Sherloc (09022015). Collection method: clinical testing. Allele origin: germline.
Comment: This sequence change replaces leucine, which is neutral and non-polar, with valine, which is neutral and non-polar, at codon 214 of the NTHL1 protein (p.Leu214Val). This variant is not present in population databases (gnomAD no frequency). This variant has not been reported in the literature in individuals affected with NTHL1-related conditions. ClinVar contains an entry for this variant (Variation ID: 2151653). An algorithm developed to predict the effect of missense changes on protein structure and function (PolyPhen-2) suggests that this variant is likely to be disruptive. In summary, the available evidence is currently insufficient to determine the role of this variant in disease. Therefore, it has been classified as a Variant of Uncertain Significance.

NM_002528.7(NTHL1):c.616C>G (p.Leu206Val)

Gene: NTHL1 (nth like DNA glycosylase 1; minus strand). Cytogenetic location: 16p13.3.
Variant type: single nucleotide variant.
Coding change: c.616C>G on transcript NM_002528.7 (MANE Select); coding-DNA position 616, C replaced by G.
Protein change: p.Leu206Val; replaces leucine 206 with valine.
Molecular consequence: missense variant.
Genome position (GRCh38, 1-based): chr16:2,043,636, G>C on the plus strand (C>G on the coding strand, the complement: NTHL1 is on the minus strand). VCF-style: chr16-2043636-G-C. GRCh37 (hg19) VCF-style: chr16-2093637-G-C.
Other names: c.445C>G, p.Leu149Val (NM_001318193.2); c.286C>G, p.Leu96Val (NM_001318194.2); short protein forms L149V, L96V, L206V.
Identifiers: ClinVar variation 2151653 (VCV002151653.4), dbSNP rs2084298971, ClinGen allele CA394291437.